The following is an entry in ClinVar:

NM_001048174.2(MUTYH):c.529G>A (p.Ala177Thr)

Gene: MUTYH (mutY DNA glycosylase; minus strand). Cytogenetic location: 1p34.1.
Variant type: single nucleotide variant.
Coding change: c.529G>A on transcript NM_001048174.2 (MANE Select); coding-DNA position 529, G replaced by A.
Protein change: p.Ala177Thr; replaces alanine 177 with threonine.
Molecular consequence: missense variant. On other transcripts: non-coding transcript variant (2).
Genome position (GRCh38, 1-based): chr1:45,332,651, C>T on the plus strand (G>A on the coding strand, the complement: MUTYH is on the minus strand). VCF-style: chr1-45332651-C-T. GRCh37 (hg19) VCF-style: chr1-45798323-C-T.
Other names: c.529G>A, p.Ala177Thr (NM_001048171.2, NM_001048173.2, NM_001293195.2); c.532G>A, p.Ala178Thr (NM_001048172.2); c.613G>A, p.Ala205Thr (NM_001128425.2); c.574G>A, p.Ala192Thr (NM_001293190.2); c.562G>A, p.Ala188Thr (NM_001293191.2); c.253G>A, p.Ala85Thr (NM_001293192.2, NM_001293196.2); c.184G>A, p.Ala62Thr (NM_001350650.2, NM_001350651.2); c.604G>A, p.Ala202Thr (NM_012222.3); short protein forms A205T, A178T, A188T, A62T, A192T, A202T, A85T, A177T.
Identifiers: ClinVar variation 185309 (VCV000185309.22), dbSNP rs759988845, ClinGen allele CA013987.

ClinVar aggregate classification (germline): Conflicting classifications of pathogenicity. Review status: criteria provided, conflicting classifications (1 of 4 stars). 5 submissions from 5 submitters: Uncertain significance (4); Likely benign (1). Last evaluated 2026-07-16.

Conditions:
MUTYH-related disorder. Also called: MUTYH-related condition; MUTYH-related disorders.
Hereditary cancer-predisposing syndrome. Also called: Neoplastic Syndromes, Hereditary; Tumor predisposition; Hereditary neoplastic syndrome; Hereditary Cancer Syndrome. Identifiers: Orphanet 140162, MedGen C0027672, MeSH D009386, MONDO:0015356.
Familial adenomatous polyposis 2. Also called: MUTYH Polyposis; ADENOMAS, MULTIPLE COLORECTAL, AUTOSOMAL RECESSIVE; MYH-associated polyposis; FAP type 2; Adenomas, multiple colorectal; MUTYH-related attenuated familial adenomatous polyposis. Identifiers: Orphanet 220460, Orphanet 247798, MedGen C3272841, MONDO:0012041, OMIM 608456.

Allele frequency attached by ClinVar (database versions not stated): gnomAD exomes below 0.00001; ExAC 0.00002.

Submissions (5):

PreventionGenetics, part of Exact Sciences
Classification: Uncertain significance for MUTYH-related condition. Last evaluated: 2026-07-16. Review status: criteria provided, single submitter. Criteria: ACMG Guidelines, 2015. Collection method: clinical testing. Allele origin: germline.
Comment: The MUTYH c.613G>A variant is predicted to result in the amino acid substitution p.Ala205Thr. To our knowledge, this variant has not been reported in the literature. This variant is reported in 0.00088% of alleles in individuals of European (Non-Finnish) descent in gnomAD and has been interpreted as uncertain and likely benign in the ClinVar database (Variation ID: 185309). At this time, the clinical significance of this variant is uncertain due to the absence of conclusive functional and genetic evidence.

Labcorp Genetics (formerly Invitae), Labcorp
Classification: Uncertain significance for Familial adenomatous polyposis 2. Last evaluated: 2026-02-03. Review status: criteria provided, single submitter. Criteria: Invitae Variant Classification Sherloc (09022015). Collection method: clinical testing. Allele origin: germline.
Comment: This sequence change replaces alanine, which is neutral and non-polar, with threonine, which is neutral and polar, at codon 205 of the MUTYH protein (p.Ala205Thr). This variant is present in population databases (rs759988845, gnomAD 0.002%). This variant has not been reported in the literature in individuals affected with MUTYH-related conditions. ClinVar contains an entry for this variant (Variation ID: 185309). An algorithm developed to predict the effect of missense changes on protein structure and function (PolyPhen-2) suggests that this variant is likely to be disruptive. In summary, the available evidence is currently insufficient to determine the role of this variant in disease. Therefore, it has been classified as a Variant of Uncertain Significance.

Ambry Genetics
Classification: Likely benign for Hereditary cancer-predisposing syndrome. Last evaluated: 2025-09-16. Review status: criteria provided, single submitter. Criteria: Ambry Variant Classification Scheme 2023. Collection method: clinical testing. Allele origin: germline.

All of Us Research Program, National Institutes of Health
Classification: Uncertain significance for Familial adenomatous polyposis 2. Last evaluated: 2024-08-06. Review status: criteria provided, single submitter. Criteria: ACMG Guidelines, 2015. Collection method: clinical testing. Allele origin: germline. Inheritance: Autosomal recessive inheritance. Observed: 2 variant alleles, 2 heterozygotes.
Comment: This study involves interpretation of variants in research participants for the purpose of population health screening. Participant phenotype was not available at the time of variant classification. Additional details can be found in publication PMID: 35346344, PMCID: PMC8962531

Color Diagnostics, LLC DBA Color Health
Classification: Uncertain significance for Hereditary cancer-predisposing syndrome. Last evaluated: 2019-06-30. Review status: criteria provided, single submitter. Criteria: ACMG Guidelines, 2015. Collection method: clinical testing. Allele origin: germline.